The following is an entry in ClinVar:

NM_000321.3(RB1):c.2490-79A>G

Gene: RB1 (RB transcriptional corepressor 1; plus strand). Cytogenetic location: 13q14.2.
Variant type: single nucleotide variant.
Coding change: c.2490-79A>G on transcript NM_000321.3 (MANE Select); 79 bases into the intron before coding-DNA position 2490, A replaced by G.
Molecular consequence: intron variant.
Genome position (GRCh38, 1-based): chr13:48,473,281, A>G. VCF-style: chr13-48473281-A-G. GRCh37 (hg19) VCF-style: chr13-49047417-A-G.
Other names: c.2490-79A>G (NM_001407165.1).
Identifiers: ClinVar variation 2733529 (VCV002733529.4), dbSNP rs4151609, ClinGen allele CA249312297.

ClinVar aggregate classification (germline): Benign. Review status: criteria provided, multiple submitters, no conflicts (2 of 4 stars). 2 submissions from 2 submitters: Benign (2). Last evaluated 2026-02-04.

Conditions:
Hereditary retinoblastoma. Identifiers: Orphanet 357027, MedGen C0751483, MONDO:0018160.
Retinoblastoma (RB1). Also called: RETINOBLASTOMA, SOMATIC. Identifiers: Orphanet 790, MedGen C0035335, MeSH D012175, MONDO:0008380, OMIM 180200, HP:0009919. Disease mechanism: loss of function. Inheritance: Both sporadic and heritable forms are tested..

Allele frequency attached by ClinVar (database versions not stated): gnomAD 0.01273; TOPMed 0.01479; 1000 Genomes Project 0.01398; 1000 Genomes Project 30x 0.01499; gnomAD exomes 0.00127; ESP Exome Variant Server 0.01319.
gnomAD v4.1: 3,234 of 1,115,782 alleles (0.29%); highest among the groups gnomAD compares: African/African-American, 4.3%; 79 homozygotes.

Submissions (2):

Labcorp Genetics (formerly Invitae), Labcorp
Classification: Benign for Retinoblastoma. Last evaluated: 2026-02-04. Review status: criteria provided, single submitter. Criteria: Invitae Variant Classification Sherloc (09022015). Collection method: clinical testing. Allele origin: germline.

Ramesar Group, Division of Human Genetics, Institute of Infectious Diseases and Molecular Medicine, UCT/MRC Genomic and Precision Medicine Research Unit, University of Cape Town
Classification: Benign for Hereditary retinoblastoma. Last evaluated: 2025-09-17. Review status: criteria provided, single submitter. Criteria: ACMG Guidelines, 2015. Collection method: research. Allele origin: germline. Affected: no.
Comment: RB1 is not associated with the phenotype BP6 - Reported as benign in ClinVar BP7 - A non-coding variant with no predicted effect on splicing (SpliceAI scores are negligible)